The following is an entry in ClinVar:

NM_017547.4(FOXRED1):c.40C>T (p.Leu14Phe)

Genes: FOXRED1 (FAD dependent oxidoreductase domain containing 1; plus strand), LOC130007026 (ATAC-STARR-seq lymphoblastoid active region 5705; plus strand). Cytogenetic location: 11q24.2.
Variant type: single nucleotide variant.
Coding change: c.40C>T on transcript NM_017547.4 (MANE Select); coding-DNA position 40, C replaced by T.
Protein change: p.Leu14Phe; replaces leucine 14 with phenylalanine.
Molecular consequence: missense variant. On other transcripts: non-coding transcript variant (2).
Genome position (GRCh38, 1-based): chr11:126,269,246, C>T. VCF-style: chr11-126269246-C-T. GRCh37 (hg19) VCF-style: chr11-126139141-C-T.
Other names: short protein forms L14F.
Identifiers: ClinVar variation 2154345 (VCV002154345.4), dbSNP rs1233480964, ClinGen allele CA383228680.

ClinVar aggregate classification (germline): Uncertain significance (1 of 4 stars; one submission).

Allele frequency attached by ClinVar (database versions not stated): gnomAD exomes below 0.00001.
gnomAD v4.1: 1 of 1,614,200 alleles (0.000062%); highest among the groups gnomAD compares: Non-Finnish European, 0.000085%; no homozygotes.

Submission:

Labcorp Genetics (formerly Invitae), Labcorp
Classification: Uncertain significance. Last evaluated: 2022-07-29. Review status: criteria provided, single submitter. Criteria: Invitae Variant Classification Sherloc (09022015). Collection method: clinical testing. Allele origin: germline.
Comment: In summary, the available evidence is currently insufficient to determine the role of this variant in disease. Therefore, it has been classified as a Variant of Uncertain Significance. Advanced modeling of protein sequence and biophysical properties (such as structural, functional, and spatial information, amino acid conservation, physicochemical variation, residue mobility, and thermodynamic stability) performed at Invitae indicates that this missense variant is not expected to disrupt FOXRED1 protein function. This variant has not been reported in the literature in individuals affected with FOXRED1-related conditions. This variant is not present in population databases (gnomAD no frequency). This sequence change replaces leucine, which is neutral and non-polar, with phenylalanine, which is neutral and non-polar, at codon 14 of the FOXRED1 protein (p.Leu14Phe).